The following is an entry in ClinVar:

NM_001083962.2(TCF4):c.1952C>T (p.Pro651Leu)

Gene: TCF4 (transcription factor 4; minus strand). Cytogenetic location: 18q21.2.
Variant type: single nucleotide variant.
Coding change: c.1952C>T on transcript NM_001083962.2 (MANE Select); coding-DNA position 1952, C replaced by T.
Protein change: p.Pro651Leu; replaces proline 651 with leucine.
Molecular consequence: missense variant.
Genome position (GRCh38, 1-based): chr18:55,228,289, G>A on the plus strand (C>T on the coding strand, the complement: TCF4 is on the minus strand). VCF-style: chr18-55228289-G-A. GRCh37 (hg19) VCF-style: chr18-52895520-G-A.
Other names: c.2258C>T, p.Pro753Leu (NM_001243226.3); c.1880C>T, p.Pro627Leu (NM_001243227.2, NM_001369575.1, NM_001348217.1 and 1 more transcripts); c.1970C>T, p.Pro657Leu (NM_001243228.2); c.1931C>T, p.Pro644Leu (NM_001243230.2); c.1814C>T, p.Pro605Leu (NM_001243231.2); c.1739C>T, p.Pro580Leu (NM_001243232.1); c.1550C>T, p.Pro517Leu (NM_001243233.2, NM_001348212.2); c.1472C>T, p.Pro491Leu (NM_001243234.2, NM_001348216.2); and 14 more; short protein forms P435L, P486L, P487L, P491L, P517L, P521L, P576L, P580L.
Identifiers: ClinVar variation 4529857 (VCV004529857.1).
Genomic context (GRCh38, chr18:55,228,289, plus strand): 5'-ATCTGTCCCATGTGATTCGATGCGTCTCCCATTCCAGGGTGTGGGCCGGCCAAGGAGAGA[G>A]GGGGAGGCTCTGAGGACACCTTCTCTTCCTCCCTTCTTTTCAGACACGCAGCTTTCGGAT-3'
Protein context (NP_001077431.1, residues 641-661): EEEKVSSEPP[Pro651Leu]LSLAGPHPGM

ClinVar aggregate classification (germline): Uncertain significance (1 of 4 stars; one submission).

gnomAD v4.1: 1 of 1,614,106 alleles (0.000062%); highest among the groups gnomAD compares: Non-Finnish European, 0.000085%; no homozygotes.

Submission:

GeneDx
Classification: Uncertain significance. Last evaluated: 2025-05-12. Review status: criteria provided, single submitter. Criteria: GeneDx Variant Classification Process June 2021. Collection method: clinical testing. Allele origin: germline. Affected: yes.
Comment: Not observed at significant frequency in large population cohorts (gnomAD); In silico analysis supports that this missense variant has a deleterious effect on protein structure/function; Has not been previously published as pathogenic or benign to our knowledge